The following is an entry in ClinVar:

ClinVar aggregate classification (germline): Likely benign (1 of 4 stars; one submission).

Submission:

CeGaT Center for Human Genetics Tuebingen
Classification: Likely benign. Last evaluated: 2023-02-01. Review status: criteria provided, single submitter. Criteria: CeGaT Center For Human Genetics Tuebingen Variant Classification Criteria Version 2. Collection method: clinical testing. Allele origin: germline. Affected: yes. Observed: 1 variant allele.
Comment: ARSF: PM2:Supporting, BP4, BP7

NM_001201539.2(ARSF):c.600C>T (p.Ile200=)

Gene: ARSF (arylsulfatase F; plus strand). Cytogenetic location: Xp22.33.
Variant type: single nucleotide variant.
Coding change: c.600C>T on transcript NM_001201539.2 (MANE Select); coding-DNA position 600, C replaced by T.
Protein change: p.Ile200=; no amino-acid change (isoleucine 200 retained).
Molecular consequence: synonymous variant.
Genome position (GRCh38, 1-based): chrX:3,084,436, C>T. VCF-style: chrX-3084436-C-T. GRCh37 (hg19) VCF-style: chrX-3002477-C-T.
Other names: c.600C>T, p.Ile200= (NM_001201538.2, NM_004042.5).
Identifiers: ClinVar variation 2659869 (VCV002659869.24), dbSNP rs2518502098, ClinGen allele CA515402722.